The following is an entry in ClinVar:

NM_007294.4(BRCA1):c.4998C>A (p.Tyr1666Ter)

Gene: BRCA1 (BRCA1 DNA repair associated; minus strand). Cytogenetic location: 17q21.31.
Variant type: single nucleotide variant.
Coding change: c.4998C>A on transcript NM_007294.4 (MANE Select); coding-DNA position 4998, C replaced by A.
Protein change: p.Tyr1666Ter; replaces tyrosine 1666 with a stop codon.
Molecular consequence: nonsense. On other transcripts: non-coding transcript variant (1).
Genome position (GRCh38, 1-based): chr17:43,067,684, G>T on the plus strand (C>A on the coding strand, the complement: BRCA1 is on the minus strand). VCF-style: chr17-43067684-G-T. GRCh37 (hg19) VCF-style: chr17-41219701-G-T.
Other names: c.4785C>A, p.Tyr1595Ter (NM_001407571.1, NM_001407895.1, NM_001407896.1 and 12 more transcripts); c.5064C>A, p.Tyr1688Ter (NM_001407581.1, NM_001407582.1); c.5061C>A, p.Tyr1687Ter (NM_001407583.1, NM_001407585.1, NM_001407587.1 and 1 more transcripts); c.5058C>A, p.Tyr1686Ter (NM_001407590.1, NM_001407591.1); c.4998C>A, p.Tyr1666Ter (NM_001407593.1, NM_001407594.1, NM_001407596.1 and 8 more transcripts); c.4995C>A, p.Tyr1665Ter (NM_001407610.1, NM_001407611.1, NM_001407612.1 and 17 more transcripts); c.4992C>A, p.Tyr1664Ter (NM_001407627.1, NM_001407628.1, NM_001407629.1 and 14 more transcripts); c.4989C>A, p.Tyr1663Ter (NM_001407644.1, NM_001407645.1); and 70 more; short protein forms Y1666*, Y1619*, Y1687*, Y562*, Y1512*, Y1538*, Y1553*, Y1578*.
Identifiers: ClinVar variation 183178 (VCV000183178.19), dbSNP rs730882165, ClinGen allele CA003146.

ClinVar aggregate classification (germline): Pathogenic. Review status: reviewed by expert panel (3 of 4 stars). 4 submissions from 4 submitters: Pathogenic (1). 3 of the submissions do not count toward it. Last evaluated 2016-09-08.

Conditions:
Hereditary breast ovarian cancer syndrome. Also called: Hereditary breast and ovarian cancer syndrome; Hereditary breast and ovarian cancer syndrome (HBOC); BRCA1- and BRCA2-Associated Hereditary Breast and Ovarian Cancer; Breast and ovarian cancer; Hereditary breast and ovarian cancer; Hereditary breast and/or ovarian cancer syndrome. Identifiers: Orphanet 145, MedGen C0677776, MeSH D061325, MONDO:0003582. Disease mechanism: loss of function.
Hereditary cancer-predisposing syndrome. Also called: Hereditary Cancer Syndrome; Hereditary neoplastic syndrome; Tumor predisposition; Neoplastic Syndromes, Hereditary. Identifiers: Orphanet 140162, MedGen C0027672, MeSH D009386, MONDO:0015356.
Breast-ovarian cancer, familial, susceptibility to, 1 (BROVCA1). Also called: OVARIAN CANCER, SUSCEPTIBILITY TO; BRCA1 Hereditary Breast and Ovarian Cancer. Identifiers: Orphanet 145, MedGen C2676676, MONDO:0011450, OMIM 604370. Disease mechanism: loss of function.

Submissions (5):

Evidence-based Network for the Interpretation of Germline Mutant Alleles (ENIGMA)
Classification: Pathogenic for Breast-ovarian cancer, familial, susceptibility to, 1. Last evaluated: 2016-09-08. Review status: reviewed by expert panel. Criteria: ENIGMA BRCA1/2 Classification Criteria (2015). Collection method: curation. Allele origin: germline.
Comment: Variant allele predicted to encode a truncated non-functional protein.

Labcorp Genetics (formerly Invitae), Labcorp
Classification: Pathogenic for Hereditary breast ovarian cancer syndrome. Last evaluated: 2022-11-10. Review status: criteria provided, single submitter. Criteria: Invitae Variant Classification Sherloc (09022015). Collection method: clinical testing. Allele origin: germline. Not counted in ClinVar's aggregate classification.
Comment: For these reasons, this variant has been classified as Pathogenic. Algorithms developed to predict the effect of sequence changes on RNA splicing suggest that this variant may disrupt the consensus splice site. ClinVar contains an entry for this variant (Variation ID: 183178). This variant has not been reported in the literature in individuals affected with BRCA1-related conditions. This variant is not present in population databases (gnomAD no frequency). This sequence change creates a premature translational stop signal (p.Tyr1666*) in the BRCA1 gene. It is expected to result in an absent or disrupted protein product. Loss-of-function variants in BRCA1 are known to be pathogenic (PMID: 20104584).

Ambry Genetics
Classification: Pathogenic for Hereditary cancer-predisposing syndrome. Last evaluated: 2015-09-21. Review status: criteria provided, single submitter. Criteria: Ambry Variant Classification Scheme 2023. Collection method: clinical testing. Allele origin: germline. Not counted in ClinVar's aggregate classification.
Comment: The p.Y1666* pathogenic mutation (also known as c.4998C>A), located in coding exon 15 of the BRCA1 gene, results from a C to A substitution at nucleotide position 4998. This changes the amino acid from a tyrosine to a stop codon within coding exon 15. Since premature stop codons are typically deleterious in nature, this alteration is interpreted as a disease-causing mutation (ACMG Recommendations for Standards for Interpretation and Reporting of Sequence Variations. Revision 2007. Genet Med. 2008;10:294).

Institute of Human Genetics, Medical University Innsbruck
Classification: Pathogenic for Breast-ovarian cancer, familial 1. Last evaluated: 2015-02-11. Review status: no assertion criteria provided. Criteria: clinical testing. Collection method: clinical testing. Allele origin: germline. Affected: yes. Study: BRCA-Tyrol. Not counted in ClinVar's aggregate classification.
Comment: BRCA-mutation spectrum Western Austria

Brotman Baty Institute, University of Washington
No classification provided (evidence only). Condition: Breast-ovarian cancer, familial 1. Review status: no classification provided. Collection method: in vitro. Allele origin: not applicable. Functional consequence: functionally_abnormal. Not counted in ClinVar's aggregate classification.
ClinVar note: "not provided" was previously submitted as the classification for the variant. However, the classification appeared to be based only on an observation of functional data so it was converted to no classification on 2025-07-30.

Literature cited by the submitters: PubMed 20104584 (cited by Labcorp Genetics (formerly Invitae), Labcorp).